The following is an entry in ClinVar:

NM_001458.5(FLNC):c.886G>A (p.Ala296Thr)

Gene: FLNC (filamin C; plus strand). Cytogenetic location: 7q32.1.
Variant type: single nucleotide variant.
Coding change: c.886G>A on transcript NM_001458.5 (MANE Select); coding-DNA position 886, G replaced by A.
Protein change: p.Ala296Thr; replaces alanine 296 with threonine.
Molecular consequence: missense variant.
Genome position (GRCh38, 1-based): chr7:128,837,672, G>A. VCF-style: chr7-128837672-G-A. GRCh37 (hg19) VCF-style: chr7-128477726-G-A.
Other names: c.886G>A, p.Ala296Thr (NM_001127487.2); short protein forms A296T.
Identifiers: ClinVar variation 2180542 (VCV002180542.5), dbSNP rs1216741131, ClinGen allele CA369222984.

ClinVar aggregate classification (germline): Uncertain significance. Review status: criteria provided, multiple submitters, no conflicts (2 of 4 stars). 2 submissions from 2 submitters: Uncertain significance (2). Last evaluated 2026-04-13.

Conditions:
Hypertrophic cardiomyopathy 26. Also called: Cardiomyopathy, familial hypertrophic, 26. Identifiers: Orphanet 75249, MedGen C4310749, MONDO:0014883, OMIM 617047.
Distal myopathy with posterior leg and anterior hand involvement. Also called: WILLIAMS DISTAL MYOPATHY. Identifiers: Orphanet 63273, MedGen C3279722, MONDO:0013550, OMIM 614065.
Myofibrillar myopathy 5. Also called: Filaminopathy (type); FILAMINOPATHY, AUTOSOMAL DOMINANT. Identifiers: Orphanet 171445, MedGen C1836050, MONDO:0012289, OMIM 609524.

Allele frequency attached by ClinVar (database versions not stated): TOPMed below 0.00001.

Submissions (2):

GeneDx
Classification: Uncertain significance. Last evaluated: 2026-04-13. Review status: criteria provided, single submitter. Criteria: GeneDx Variant Classification Process June 2021. Collection method: clinical testing. Allele origin: germline.
Comment: Not observed at significant frequency in large population cohorts (gnomAD); In silico analysis supports that this missense variant has a deleterious effect on protein structure/function; Has not been previously published as pathogenic or benign to our knowledge

Labcorp Genetics (formerly Invitae), Labcorp
Classification: Uncertain significance for Distal myopathy with posterior leg and anterior hand involvement; Myofibrillar myopathy 5; Hypertrophic cardiomyopathy 26. Last evaluated: 2022-07-29. Review status: criteria provided, single submitter. Criteria: Invitae Variant Classification Sherloc (09022015). Collection method: clinical testing. Allele origin: germline.
Comment: This sequence change replaces alanine, which is neutral and non-polar, with threonine, which is neutral and polar, at codon 296 of the FLNC protein (p.Ala296Thr). This variant is not present in population databases (gnomAD no frequency). This variant has not been reported in the literature in individuals affected with FLNC-related conditions. Algorithms developed to predict the effect of missense changes on protein structure and function are either unavailable or do not agree on the potential impact of this missense change (SIFT: "Tolerated"; PolyPhen-2: "Probably Damaging"; Align-GVGD: "Class C0"). In summary, the available evidence is currently insufficient to determine the role of this variant in disease. Therefore, it has been classified as a Variant of Uncertain Significance.